The following is an entry in ClinVar:

NM_181882.3(PRX):c.3838G>C (p.Glu1280Gln)

Gene: PRX (periaxin; minus strand). Cytogenetic location: 19q13.2.
Variant type: single nucleotide variant.
Coding change: c.3838G>C on transcript NM_181882.3 (MANE Select); coding-DNA position 3838, G replaced by C.
Protein change: p.Glu1280Gln; replaces glutamic acid 1280 with glutamine.
Molecular consequence: missense variant. On other transcripts: 3 prime UTR variant (1).
Genome position (GRCh38, 1-based): chr19:40,394,514, C>G on the plus strand (G>C on the coding strand, the complement: PRX is on the minus strand). VCF-style: chr19-40394514-C-G. GRCh37 (hg19) VCF-style: chr19-40900421-C-G.
Other names: c.*4043G>C (NM_020956.2); short protein forms E1280Q.
Identifiers: ClinVar variation 543486 (VCV000543486.24), dbSNP rs146205352, ClinGen allele CA9443770.
Genomic context (GRCh38, chr19:40,394,514, plus strand): 5'-CCTCTCCCTCCCCCTCTGCCACCTGGTACTCGGCATGGTTGCCCCCGGATGGCGAGAGCT[C>G]CACGTCGGGCAGTGAGAGGCAGAAGGTACGCTCGGCCCCTGGGGGCTGCTCCTCAGCACC-3'
Protein context (NP_870998.2, residues 1270-1290): RTFCLSLPDV[Glu1280Gln]LSPSGGNHAE

ClinVar aggregate classification (germline): Conflicting classifications of pathogenicity. Review status: criteria provided, conflicting classifications (1 of 4 stars). 4 submissions from 4 submitters: Uncertain significance (1); Likely benign (2). 1 of the submissions does not count toward it. Last evaluated 2025-12-23.

Conditions:
Charcot-Marie-Tooth disease type 4. Also called: Charcot-Marie-Tooth disease, type IV; Charcot-Marie-Tooth, Type 4. Identifiers: Orphanet 64749, MedGen C4082197, MONDO:0018995.
Inborn genetic diseases. Identifiers: MedGen C0950123, MeSH D030342.
PRX-related disorder. Also called: PRX-related condition; PRX-Related Disorders.

Allele frequency attached by ClinVar (database versions not stated): gnomAD exomes 0.00012 and 0.00031; ExAC 0.00047; 1000 Genomes Project 30x 0.00094; 1000 Genomes Project 0.00100; ESP Exome Variant Server 0.00116; gnomAD 0.00128 and 0.00135; TOPMed 0.00137.
gnomAD v4.1: 380 of 1,599,954 alleles (0.024%); highest among the groups gnomAD compares: African/African-American, 0.47%; no homozygotes.

Submissions (4):

Labcorp Genetics (formerly Invitae), Labcorp
Classification: Likely benign for Charcot-Marie-Tooth disease type 4. Last evaluated: 2025-12-23. Review status: criteria provided, single submitter. Criteria: Invitae Variant Classification Sherloc (09022015). Collection method: clinical testing. Allele origin: germline.

ARUP Laboratories, Molecular Genetics and Genomics, ARUP Laboratories
Classification: Uncertain significance. Last evaluated: 2020-12-17. Review status: criteria provided, single submitter. Criteria: ARUP Molecular Germline Variant Investigation Process 2021. Collection method: clinical testing. Allele origin: germline.
Comment: The PRX c.3838G>C; p.Glu1280Gln variant (rs146205352), to our knowledge, is not reported in the medical literature but is reported in ClinVar (Variation ID: 543486). This variant is listed in the Genome Aggregation Database (gnomAD) with an overall population frequency of 0.45 percent in the African population (identified on 100 out of 22,178 chromosomes). The glutamic acid at position 1280 is highly conserved and computational analyses of the effects of the p.Glu1280Gln variant on protein structure and function is conflicting (SIFT: tolerated, PolyPhen-2: probably damaging). In addition computational analyses (Alamut v.2.11) predict that this variant may impact splicing by creating a novel cryptic acceptor splice site/weakening the nearby canonical splice site. Overall, there is not enough evidence to classify the p.Glu1280Gln variant with certainty.

Ambry Genetics
Classification: Likely benign for Inborn genetic diseases. Last evaluated: 2020-10-19. Review status: criteria provided, single submitter. Criteria: Ambry Variant Classification Scheme 2023. Collection method: clinical testing. Allele origin: germline.

PreventionGenetics, part of Exact Sciences
Classification: Likely benign for PRX-related condition. Last evaluated: 2023-06-23. Review status: no assertion criteria provided. Collection method: clinical testing. Allele origin: germline. Not counted in ClinVar's aggregate classification.
Comment: This variant is classified as likely benign based on ACMG/AMP sequence variant interpretation guidelines (Richards et al. 2015 PMID: 25741868, with internal and published modifications).